The following is an entry in ClinVar:

ClinVar aggregate classification (germline): Uncertain significance (1 of 4 stars; one submission).

gnomAD v4.1: 2 of 1,614,124 alleles (0.00012%); highest among the groups gnomAD compares: African/African-American, 0.0013%; no homozygotes.

Submission:

Ambry Genetics
Classification: Uncertain significance. Last evaluated: 2024-07-06. Review status: criteria provided, single submitter. Criteria: Ambry Variant Classification Scheme 2023. Collection method: clinical testing. Allele origin: germline.
Comment: The p.S389T variant (also known as c.1165T>A), located in coding exon 13 of the NPAT gene, results from a T to A substitution at nucleotide position 1165. The serine at codon 389 is replaced by threonine, an amino acid with similar properties. This amino acid position is conserved. In addition, this alteration is predicted to be tolerated by in silico analysis. Based on the available evidence, the clinical significance of this variant remains unclear.

NM_002519.3(NPAT):c.1165T>A (p.Ser389Thr)

Gene: NPAT (nuclear protein, coactivator of histone transcription; minus strand). Cytogenetic location: 11q22.3.
Variant type: single nucleotide variant.
Coding change: c.1165T>A on transcript NM_002519.3 (MANE Select); coding-DNA position 1165, T replaced by A.
Protein change: p.Ser389Thr; replaces serine 389 with threonine.
Molecular consequence: missense variant.
Genome position (GRCh38, 1-based): chr11:108,173,819, A>T on the plus strand (T>A on the coding strand, the complement: NPAT is on the minus strand). VCF-style: chr11-108173819-A-T. GRCh37 (hg19) VCF-style: chr11-108044546-A-T.
Other names: c.1165T>A, p.Ser389Thr (NM_001321307.1); short protein forms S389T.
Identifiers: ClinVar variation 3407170 (VCV003407170.1).